The following is an entry in ClinVar:

NM_031844.3(HNRNPU):c.1145C>G (p.Ser382Cys)

Gene: HNRNPU (heterogeneous nuclear ribonucleoprotein U; minus strand). Cytogenetic location: 1q44.
Variant type: single nucleotide variant.
Coding change: c.1145C>G on transcript NM_031844.3 (MANE Select); coding-DNA position 1145, C replaced by G.
Protein change: p.Ser382Cys; replaces serine 382 with cysteine.
Molecular consequence: missense variant.
Genome position (GRCh38, 1-based): chr1:244,858,814, G>C on the plus strand (C>G on the coding strand, the complement: HNRNPU is on the minus strand). VCF-style: chr1-244858814-G-C. GRCh37 (hg19) VCF-style: chr1-245022116-G-C.
Other names: c.1088C>G, p.Ser363Cys (NM_004501.3); short protein forms S363C, S382C.
Identifiers: ClinVar variation 3366030 (VCV003366030.2).
Genomic context (GRCh38, chr1:244,858,814, plus strand): 5'-TCATCAAACTTTTCTCCATAATCTTCAGTCTCACAGTTGCATGTTTTTATTCCTTTTAGA[G>C]AATACCCATAAGAAAATTCTTCTTCACCTAAGAAAATAATTAATCTTCATGAAGTAGATG-3'
Protein context (NP_114032.2, residues 372-392): LGEEEFSYGY[Ser382Cys]LKGIKTCNCE

ClinVar aggregate classification (germline): Uncertain significance (1 of 4 stars; one submission).

gnomAD v4.1: 2 of 1,556,356 alleles (0.00013%); highest among the groups gnomAD compares: Non-Finnish European, 0.00018%; no homozygotes.

Submission:

GeneDx
Classification: Uncertain significance. Last evaluated: 2025-01-25. Review status: criteria provided, single submitter. Criteria: GeneDx Variant Classification Process June 2021. Collection method: clinical testing. Allele origin: germline.
Comment: Not observed at significant frequency in large population cohorts (gnomAD); In silico analysis supports that this missense variant has a deleterious effect on protein structure/function; Has not been previously published as pathogenic or benign to our knowledge